The following is an entry in ClinVar:

ClinVar aggregate classification (germline): Uncertain significance (1 of 4 stars; one submission).

Conditions:
Combined immunodeficiency due to DOCK8 deficiency (HIES2). Also called: HYPER-IgE SYNDROME 2, AUTOSOMAL RECESSIVE, WITH RECURRENT INFECTIONS; HYPER-IgE RECURRENT INFECTION SYNDROME 2, AUTOSOMAL RECESSIVE; Hyper-IgE recurrent infection syndrome, autosomal recessive; DOCK8 Deficiency; HIES autosomal recessive. Identifiers: Orphanet 217390, MedGen C4722305, MONDO:0009478, OMIM 243700.

Submission:

Labcorp Genetics (formerly Invitae), Labcorp
Classification: Uncertain significance for Combined immunodeficiency due to DOCK8 deficiency. Last evaluated: 2022-07-12. Review status: criteria provided, single submitter. Criteria: Invitae Variant Classification Sherloc (09022015). Collection method: clinical testing. Allele origin: germline.
Comment: This sequence change replaces glutamine, which is neutral and polar, with leucine, which is neutral and non-polar, at codon 2097 of the DOCK8 protein (p.Gln2097Leu). This variant is not present in population databases (gnomAD no frequency). In summary, the available evidence is currently insufficient to determine the role of this variant in disease. Therefore, it has been classified as a Variant of Uncertain Significance. Algorithms developed to predict the effect of missense changes on protein structure and function are either unavailable or do not agree on the potential impact of this missense change (SIFT: "Deleterious"; PolyPhen-2: "Benign"; Align-GVGD: "Class C0"). This variant has not been reported in the literature in individuals affected with DOCK8-related conditions.

NM_203447.4(DOCK8):c.6290A>T (p.Gln2097Leu)

Gene: DOCK8 (dedicator of cytokinesis 8; plus strand). Cytogenetic location: 9p24.3.
Variant type: single nucleotide variant.
Coding change: c.6290A>T on transcript NM_203447.4 (MANE Select); coding-DNA position 6290, A replaced by T.
Protein change: p.Gln2097Leu; replaces glutamine 2097 with leucine.
Molecular consequence: missense variant.
Genome position (GRCh38, 1-based): chr9:464,209, A>T. VCF-style: chr9-464209-A-T. GRCh37 (hg19) VCF-style: chr9-464209-A-T.
Other names: c.5990A>T, p.Gln1997Leu (NM_001190458.2); c.6086A>T, p.Gln2029Leu (NM_001193536.2); short protein forms Q2029L, Q2097L, Q1997L.
Identifiers: ClinVar variation 2057637 (VCV002057637.4), dbSNP rs2537640996, ClinGen allele CA372752021.